The following is an entry in ClinVar:

ClinVar aggregate classification (germline): Uncertain significance (1 of 4 stars; one submission).

Submission:

Labcorp Genetics (formerly Invitae), Labcorp
Classification: Uncertain significance. Last evaluated: 2025-12-22. Review status: criteria provided, single submitter. Criteria: Invitae Variant Classification Sherloc (09022015). Collection method: clinical testing. Allele origin: germline.
Comment: This sequence change falls in intron 17 of the MICAL1 gene. It does not directly change the encoded amino acid sequence of the MICAL1 protein. Information on the frequency of this variant in the gnomAD database is not available, as this variant may be reported differently in the database. This variant has not been reported in the literature in individuals affected with MICAL1-related conditions. ClinVar contains an entry for this variant (Variation ID: 2988267). In summary, the available evidence is currently insufficient to determine the role of this variant in disease. Therefore, it has been classified as a Variant of Uncertain Significance.

NM_022765.4(MICAL1):c.2228-14_2228-13delinsAT

Gene: MICAL1 (microtubule associated monooxygenase, calponin and LIM domain containing 1; minus strand). Cytogenetic location: 6q21.
Variant type: Indel.
Coding change: c.2228-14_2228-13delinsAT on transcript NM_022765.4 (MANE Select); 14 bases into the intron before coding-DNA position 2228 through 13 bases into the intron before coding-DNA position 2228, TC replaced by AT.
Molecular consequence: intron variant.
Genome position (GRCh38, 1-based): chr6:109,446,785-109,446,786, GA replaced by AT on the plus strand (TC replaced by AT on the coding strand, the reverse complement: MICAL1 is on the minus strand). VCF-style: chr6-109446785-GA-AT. GRCh37 (hg19) VCF-style: chr6-109767988-GA-AT.
Other names: c.2285-14_2285-13delinsAT (NM_001286613.2); c.1970-14_1970-13delinsAT (NM_001159291.2).
Identifiers: ClinVar variation 2988267 (VCV002988267.3), dbSNP rs2482778108, ClinGen allele CA2740091464.